The following is an entry in ClinVar:

ClinVar aggregate classification (germline): Likely pathogenic (1 of 4 stars; one submission).

Conditions:
Intellectual disability-facial dysmorphism syndrome due to SETD5 haploinsufficiency (MRD23). Also called: Intellectual developmental disorder, autosomal dominant 23. Identifiers: Orphanet 404440, MedGen C3810406, MONDO:0014336, OMIM 615761.

Submission:

Laboratorio de Genetica e Diagnostico Molecular, Hospital Israelita Albert Einstein
Classification: Likely pathogenic for Intellectual disability-facial dysmorphism syndrome due to SETD5 haploinsufficiency. Last evaluated: 2026-03-13. Review status: criteria provided, single submitter. Criteria: ACMG Guidelines, 2015. Collection method: clinical testing. Allele origin: germline. Affected: yes.
Comment: ACMG classification criteria: PVS1 very strong, PM2 supporting

NM_001080517.3(SETD5):c.3174dup (p.Asn1059fs)

Gene: SETD5 (SET domain containing 5; plus strand). Cytogenetic location: 3p25.3.
Variant type: Duplication.
Coding change: c.3174dup on transcript NM_001080517.3 (MANE Select); coding-DNA position 3174, one base duplicated (G; older notation c.3174dupG).
Protein change: p.Asn1059fs; shifts the reading frame from asparagine 1059.
Molecular consequence: frameshift variant.
Genome position (GRCh38, 1-based): chr3:9,470,908, G duplicated. VCF-style (leftmost placement, unchanged base first): chr3-9470907-A-AG. GRCh37 (hg19) VCF-style: chr3-9512591-A-AG.
Other names: c.2880dup, p.Asn961fs (NM_001292043.2, NM_001349451.2); c.3270dup, p.Asn1091fs (NM_001437633.1); c.3288dup, p.Asn1097fs (NM_001437635.1); c.3231dup, p.Asn1078fs (NM_001437643.1); c.3213dup, p.Asn1072fs (NM_001437701.1); short protein forms N1059fs, N1072fs, N1078fs, N1091fs, N1097fs, N961fs.
Identifiers: ClinVar variation 4846928 (VCV004846928.1).
Genomic context (GRCh38, chr3:9,470,907, plus strand): 5'-CTCGTGGATCCTTGTCACCTGGTGGTGAAAGGGCCTGTGAAGGAGTCCCATCTGCCCCCC[A>AG]GAACCCACCACAGAGGAAAAAAGTAAGTGTTTCATGTTATATCGGCGAACTTTTCAAGAA-3'